The following is an entry in ClinVar:

NM_000404.4(GLB1):c.1724_1725delinsTG (p.Gly575Val)

Gene: GLB1 (galactosidase beta 1; minus strand). Cytogenetic location: 3p22.3.
Variant type: Indel.
Coding change: c.1724_1725delinsTG on transcript NM_000404.4 (MANE Select); coding-DNA positions 1724 to 1725, GA replaced by TG.
Protein change: p.Gly575Val; replaces glycine 575 with valine.
Molecular consequence: missense variant.
Genome position (GRCh38, 1-based): chr3:33,014,065-33,014,066, TC replaced by CA on the plus strand (GA replaced by TG on the coding strand, the reverse complement: GLB1 is on the minus strand). VCF-style: chr3-33014065-TC-CA. GRCh37 (hg19) VCF-style: chr3-33055557-TC-CA.
Other names: c.1634_1635delinsTG, p.Gly545Val (NM_001079811.3); c.1331_1332delinsTG, p.Gly444Val (NM_001135602.3); c.1868_1869delinsTG, p.Gly623Val (NM_001317040.2); c.1724_1725delinsTG, p.Gly575Val (NM_001393580.1); short protein forms G623V, G575V, G444V, G545V.
Identifiers: ClinVar variation 1940221 (VCV001940221.5), dbSNP rs2471247858, ClinGen allele CA2580069240.

ClinVar aggregate classification (germline): Uncertain significance (1 of 4 stars; one submission).

Conditions:
GM1 gangliosidosis. Identifiers: Orphanet 354, MedGen C0085131, MONDO:0018149.
Mucopolysaccharidosis, MPS-IV-B (MPS4B). Also called: Mucopolysaccharidosis type IV B; Mucopolysaccharidosis type 4B; MORQUIO SYNDROME B; Mucopolysaccharidosis type IVB (Morquio); MPS IVB; Mucopolysaccharidosis Type IVB. Identifiers: Orphanet 309310, Orphanet 582, MedGen C0086652, MONDO:0009660, OMIM 253010.

Submission:

Labcorp Genetics (formerly Invitae), Labcorp
Classification: Uncertain significance for Mucopolysaccharidosis, MPS-IV-B; GM1 gangliosidosis. Last evaluated: 2022-07-08. Review status: criteria provided, single submitter. Criteria: Invitae Variant Classification Sherloc (09022015). Collection method: clinical testing. Allele origin: germline.
Comment: This variant has not been reported in the literature in individuals affected with GLB1-related conditions. Algorithms developed to predict the effect of missense changes on protein structure and function are either unavailable or do not agree on the potential impact of this missense change (SIFT: "Not Available"; PolyPhen-2: "Possibly Damaging"; Align-GVGD: "Not Available"). In summary, the available evidence is currently insufficient to determine the role of this variant in disease. Therefore, it has been classified as a Variant of Uncertain Significance. Information on the frequency of this variant in the gnomAD database is not available, as this variant may be reported differently in the database. This sequence change replaces glycine, which is neutral and non-polar, with valine, which is neutral and non-polar, at codon 575 of the GLB1 protein (p.Gly575Val).